The following is an entry in ClinVar:

NM_002334.4(LRP4):c.1086C>T (p.Asn362=)

Gene: LRP4 (LDL receptor related protein 4; minus strand). Cytogenetic location: 11p11.2.
Variant type: single nucleotide variant.
Coding change: c.1086C>T on transcript NM_002334.4 (MANE Select); coding-DNA position 1086, C replaced by T.
Protein change: p.Asn362=; no amino-acid change (asparagine 362 retained).
Molecular consequence: synonymous variant.
Genome position (GRCh38, 1-based): chr11:46,895,981, G>A on the plus strand (C>T on the coding strand, the complement: LRP4 is on the minus strand). VCF-style: chr11-46895981-G-A. GRCh37 (hg19) VCF-style: chr11-46917532-G-A.
Identifiers: ClinVar variation 772744 (VCV000772744.12), dbSNP rs556905132, ClinGen allele CA5970265.

ClinVar aggregate classification (germline): Likely benign. Review status: criteria provided, single submitter (1 of 4 stars). 2 submissions from 2 submitters: Likely benign (1). 1 of the submissions does not count toward it. Last evaluated 2024-01-22.

Conditions:
LRP4-related disorder. Also called: LRP4-related condition.
Cenani-Lenz syndactyly syndrome. Also called: SYNDACTYLY, TYPE VII; CENANI SYNDACTYLISM. Identifiers: Orphanet 3258, MedGen C1859309, MONDO:0008931, OMIM 212780.
Congenital myasthenic syndrome 17. Identifiers: Orphanet 590, MedGen C4225377, MONDO:0014578, OMIM 616304.
Sclerosteosis 2 (SOST2). Identifiers: Orphanet 3152, MedGen C3280402, MONDO:0013679, OMIM 614305.

Allele frequency attached by ClinVar (database versions not stated): gnomAD exomes 0.00003; gnomAD 0.00004; ExAC 0.00006; TOPMed 0.00006; 1000 Genomes Project 30x 0.00016; 1000 Genomes Project 0.00020.
gnomAD v4.1: 50 of 1,614,102 alleles (0.0031%); highest among the groups gnomAD compares: African/African-American, 0.0067%; no homozygotes.

Submissions (2):

Labcorp Genetics (formerly Invitae), Labcorp
Classification: Likely benign for Cenani-Lenz syndactyly syndrome; Sclerosteosis 2; Congenital myasthenic syndrome 17. Last evaluated: 2024-01-22. Review status: criteria provided, single submitter. Criteria: Invitae Variant Classification Sherloc (09022015). Collection method: clinical testing. Allele origin: germline.

PreventionGenetics, part of Exact Sciences
Classification: Uncertain significance for LRP4-related condition. Last evaluated: 2024-04-04. Review status: no assertion criteria provided. Collection method: clinical testing. Allele origin: germline. Not counted in ClinVar's aggregate classification.
Comment: The LRP4 c.1086C>T variant is not predicted to result in an amino acid change (p.=). This variant is predicted to affect splicing based on available splicing prediction programs (SpliceAI, Jaganathan et al. 2019. PubMed ID: 30661751). However, such computer prediction programs are imperfect. To our knowledge, this variant has not been reported in the literature. This variant is reported in 0.0062% of alleles in individuals of African descent in gnomAD. At this time, the clinical significance of this variant is uncertain due to the absence of conclusive functional and genetic evidence.